The following is an entry in ClinVar:

NM_000834.5(GRIN2B):c.4218C>T (p.Phe1406=)

Gene: GRIN2B (glutamate ionotropic receptor NMDA type subunit 2B; minus strand). Cytogenetic location: 12p13.1.
Variant type: single nucleotide variant.
Coding change: c.4218C>T on transcript NM_000834.5 (MANE Select); coding-DNA position 4218, C replaced by T.
Protein change: p.Phe1406=; no amino-acid change (phenylalanine 1406 retained).
Molecular consequence: synonymous variant.
Genome position (GRCh38, 1-based): chr12:13,563,020, G>A on the plus strand (C>T on the coding strand, the complement: GRIN2B is on the minus strand). VCF-style: chr12-13563020-G-A. GRCh37 (hg19) VCF-style: chr12-13715954-G-A.
Other names: p.F1406F:TTC>TTT; p.Phe1406=; c.4218C>T (NM_000834.4).
Identifiers: ClinVar variation 98431 (VCV000098431.22), dbSNP rs1805246, ClinGen allele CA225817.

ClinVar aggregate classification (germline): Benign. Review status: criteria provided, multiple submitters, no conflicts (2 of 4 stars). 8 submissions from 8 submitters: Benign (7). 1 of the submissions does not count toward it. Last evaluated 2026-02-03.

Conditions:
Inborn genetic diseases. Identifiers: MedGen C0950123, MeSH D030342.
Intellectual developmental disorder, autosomal dominant 6, with or without seizures. Also called: Intellectual disability, autosomal dominant 6; GRIN2B-related developmental delay, intellectual disability and autism spectrum disorder. Identifiers: Orphanet 589547, MedGen C3151411, MONDO:0013509, OMIM 613970.
Developmental and epileptic encephalopathy, 27 (DEE27). Also called: Epileptic encephalopathy, early infantile, 27; GRIN2B-Related Neurodevelopmental Disorder. Identifiers: Orphanet 3451, MedGen C4015316, MONDO:0014505, OMIM 616139.

Allele frequency attached by ClinVar (database versions not stated): TOPMed 0.02585; gnomAD 0.02603 and 0.02861; ESP Exome Variant Server 0.02783; 1000 Genomes Project 30x 0.03560; gnomAD exomes 0.03672 and 0.03748; 1000 Genomes Project 0.03674; ExAC 0.03871.
gnomAD v4.1: 59,227 of 1,613,930 alleles (3.7%); highest among the groups gnomAD compares: East Asian, 7.2%; 1,338 homozygotes.

Submissions (8):

Labcorp Genetics (formerly Invitae), Labcorp
Classification: Benign for Developmental and epileptic encephalopathy, 27; Intellectual developmental disorder, autosomal dominant 6, with or without seizures. Last evaluated: 2026-02-03. Review status: criteria provided, single submitter. Criteria: Invitae Variant Classification Sherloc (09022015). Collection method: clinical testing. Allele origin: germline.

Mayo Clinic Laboratories, Mayo Clinic
Classification: Benign. Last evaluated: 2018-08-07. Review status: criteria provided, single submitter. Criteria: ACMG Guidelines, 2015. Collection method: clinical testing. Allele origin: germline. Observed: 36 variant alleles.

Athena Diagnostics
Classification: Benign. Last evaluated: 2017-06-29. Review status: criteria provided, single submitter. Criteria: Athena Diagnostics Criteria. Collection method: clinical testing. Allele origin: germline.

Ambry Genetics
Classification: Benign for Inborn genetic diseases. Last evaluated: 2016-03-14. Review status: criteria provided, single submitter. Criteria: Ambry Variant Classification Scheme 2023. Collection method: clinical testing. Allele origin: germline.

GeneDx
Classification: Benign. Last evaluated: 2013-11-26. Review status: criteria provided, single submitter. Criteria: GeneDx Variant Classification (06012015). Collection method: clinical testing. Allele origin: germline. Affected: yes.
Comment: This variant is considered likely benign or benign based on one or more of the following criteria: it is a conservative change, it occurs at a poorly conserved position in the protein, it is predicted to be benign by multiple in silico algorithms, and/or has population frequency not consistent with disease.

Genetic Services Laboratory, University of Chicago
Classification: Benign for AllHighlyPenetrant. Last evaluated: 2013-03-25. Review status: criteria provided, single submitter. Criteria: ACMG Guidelines, 2007. Collection method: clinical testing. Allele origin: germline. Inheritance: Autosomal dominant inheritance.

Breakthrough Genomics
Classification: Benign. Review status: criteria provided, single submitter. Criteria: ACMG Guidelines, 2015. Collection method: not provided. Allele origin: germline. Inheritance: Autosomal dominant inheritance. Affected: yes.

Psychiatry Genetics Yale University
No classification provided. Review status: no classification provided. Collection method: not provided. Allele origin: not provided. Not counted in ClinVar's aggregate classification.